The following is an entry in ClinVar:

NM_000539.3(RHO):c.714G>T (p.Gln238His)

Gene: RHO (rhodopsin; plus strand). Cytogenetic location: 3q22.1.
Variant type: single nucleotide variant.
Coding change: c.714G>T on transcript NM_000539.3 (MANE Select); coding-DNA position 714, G replaced by T.
Protein change: p.Gln238His; replaces glutamine 238 with histidine.
Molecular consequence: missense variant.
Genome position (GRCh38, 1-based): chr3:129,532,550, G>T. VCF-style: chr3-129532550-G-T. GRCh37 (hg19) VCF-style: chr3-129251393-G-T.
Other names: short protein forms Q238H.
Identifiers: ClinVar variation 2056218 (VCV002056218.4), dbSNP rs1217784259, ClinGen allele CA354470205.

ClinVar aggregate classification (germline): Uncertain significance (1 of 4 stars; one submission).

Allele frequency attached by ClinVar (database versions not stated): gnomAD exomes below 0.00001.
gnomAD v4.1: 1 of 1,614,114 alleles (0.000062%); highest among the groups gnomAD compares: East Asian, 0.0022%; no homozygotes.

Submission:

Labcorp Genetics (formerly Invitae), Labcorp
Classification: Uncertain significance. Last evaluated: 2022-02-23. Review status: criteria provided, single submitter. Criteria: Invitae Variant Classification Sherloc (09022015). Collection method: clinical testing. Allele origin: germline.
Comment: This sequence change replaces glutamine, which is neutral and polar, with histidine, which is basic and polar, at codon 238 of the RHO protein (p.Gln238His). This variant is present in population databases (no rsID available, gnomAD 0.006%). This variant has not been reported in the literature in individuals affected with RHO-related conditions. Algorithms developed to predict the effect of missense changes on protein structure and function are either unavailable or do not agree on the potential impact of this missense change (SIFT: "Deleterious"; PolyPhen-2: "Probably Damaging"; Align-GVGD: "Class C0"). In summary, the available evidence is currently insufficient to determine the role of this variant in disease. Therefore, it has been classified as a Variant of Uncertain Significance.